The following is an entry in ClinVar:

NM_001148.6(ANK2):c.3060G>A (p.Met1020Ile)

Gene: ANK2 (ankyrin 2; plus strand). Cytogenetic location: 4q26.
Variant type: single nucleotide variant.
Coding change: c.3060G>A on transcript NM_001148.6 (MANE Select); coding-DNA position 3060, G replaced by A.
Protein change: p.Met1020Ile; replaces methionine 1020 with isoleucine.
Molecular consequence: missense variant.
Genome position (GRCh38, 1-based): chr4:113,330,405, G>A. VCF-style: chr4-113330405-G-A. GRCh37 (hg19) VCF-style: chr4-114251561-G-A.
Other names: c.2847G>A, p.Met949Ile (NM_001354269.3); c.2934G>A, p.Met978Ile (NM_001354270.2, NM_001354253.2); c.2874G>A, p.Met958Ile (NM_001354271.2, NM_001386151.1, NM_001354260.2); c.3030G>A, p.Met1010Ile (NM_001354272.2, NM_001354239.2, NM_001354252.2); c.2859G>A, p.Met953Ile (NM_001354273.2); c.2958G>A, p.Met986Ile (NM_001354274.2, NM_001386154.1, NM_001386142.1); c.2997G>A, p.Met999Ile (NM_001354275.2, NM_001386143.1, NM_001354243.2 and 3 more transcripts); c.2973G>A, p.Met991Ile (NM_001354276.2, NM_001386149.1, NM_001386150.1 and 7 more transcripts); and 23 more; short protein forms M1001I, M1003I, M1006I, M1008I, M1010I, M1011I, M1015I, M1019I.
Identifiers: ClinVar variation 4858141 (VCV004858141.1).

ClinVar aggregate classification (germline): Uncertain significance (1 of 4 stars; one submission).

Conditions:
Cardiovascular phenotype. Identifiers: MedGen CN230736.

Submission:

Ambry Genetics
Classification: Uncertain significance for Cardiovascular phenotype. Last evaluated: 2026-04-11. Review status: criteria provided, single submitter. Criteria: Ambry Variant Classification Scheme 2023. Collection method: clinical testing. Allele origin: germline.
Comment: The p.M1020I variant (also known as c.3060G>A), located in coding exon 27 of the ANK2 gene, results from a G to A substitution at nucleotide position 3060. The methionine at codon 1020 is replaced by isoleucine, an amino acid with highly similar properties. This amino acid position is conserved. In addition, the in silico prediction for this alteration is inconclusive. Based on the available evidence, the clinical significance of this variant remains unclear.